The following is an entry in ClinVar:

ClinVar aggregate classification (germline): Conflicting classifications of pathogenicity. Review status: criteria provided, conflicting classifications (1 of 4 stars). 2 submissions from 2 submitters: Uncertain significance (1); Likely benign (1). Last evaluated 2024-04-08.

Conditions:
Charcot-Marie-Tooth disease axonal type 2Z. Also called: CHARCOT-MARIE-TOOTH DISEASE, AXONAL, AUTOSOMAL DOMINANT, TYPE 2Z; CHARCOT-MARIE-TOOTH NEUROPATHY, TYPE 2Z. Identifiers: Orphanet 466768, MedGen C5569025, MONDO:0014736, OMIM 616688.

Allele frequency attached by ClinVar (database versions not stated): gnomAD exomes below 0.00001.
gnomAD v4.1: 3 of 1,548,912 alleles (0.00019%); highest among the groups gnomAD compares: Non-Finnish European, 0.00026%; no homozygotes.

Submissions (2):

Labcorp Genetics (formerly Invitae), Labcorp
Classification: Uncertain significance for Charcot-Marie-Tooth disease axonal type 2Z. Last evaluated: 2024-04-08. Review status: criteria provided, single submitter. Criteria: Invitae Variant Classification Sherloc (09022015). Collection method: clinical testing. Allele origin: germline.
Comment: This sequence change replaces valine, which is neutral and non-polar, with leucine, which is neutral and non-polar, at codon 37 of the MORC2 protein (p.Val37Leu). This variant is not present in population databases (gnomAD no frequency). This variant has not been reported in the literature in individuals affected with MORC2-related conditions. ClinVar contains an entry for this variant (Variation ID: 1944351). Advanced modeling of protein sequence and biophysical properties (such as structural, functional, and spatial information, amino acid conservation, physicochemical variation, residue mobility, and thermodynamic stability) performed at Invitae indicates that this missense variant is expected to disrupt MORC2 protein function with a positive predictive value of 80%. In summary, the available evidence is currently insufficient to determine the role of this variant in disease. Therefore, it has been classified as a Variant of Uncertain Significance.

Blueprint Genetics
Classification: Likely benign. Last evaluated: 2024-01-30. Review status: criteria provided, single submitter. Criteria: ACMG Guidelines, 2015. Collection method: clinical testing. Allele origin: germline.

NM_001303256.3(MORC2):c.109G>C (p.Val37Leu)

Gene: MORC2 (MORC family CW-type zinc finger 2; minus strand). Cytogenetic location: 22q12.2.
Variant type: single nucleotide variant.
Coding change: c.109G>C on transcript NM_001303256.3 (MANE Select); coding-DNA position 109, G replaced by C.
Protein change: p.Val37Leu; replaces valine 37 with leucine.
Molecular consequence: missense variant. On other transcripts: 5 prime UTR variant (1).
Genome position (GRCh38, 1-based): chr22:30,958,654, C>G on the plus strand (G>C on the coding strand, the complement: MORC2 is on the minus strand). VCF-style: chr22-30958654-C-G. GRCh37 (hg19) VCF-style: chr22-31354640-C-G.
Other names: c.109G>C, p.Val37Leu (NM_001303257.2); c.-78G>C (NM_014941.3); short protein forms V37L.
Identifiers: ClinVar variation 1944351 (VCV001944351.6), dbSNP rs1368333018, ClinGen allele CA411534625.